The following is an entry in ClinVar:

Conditions:
Long QT syndrome 5 (LQT5). Identifiers: Orphanet 101016, Orphanet 768, MedGen C1867904, MONDO:0013372, OMIM 613695.

Submission:

Roden Lab, Vanderbilt University Medical Center
No classification provided (evidence only). Condition: Long QT syndrome 5. Review status: no classification provided. Collection method: in vitro. Allele origin: not applicable. Functional consequence: Effect on ion channel function.
ClinVar note: "not provided" was previously submitted as the classification for the variant. However, the classification appeared to be based only on an observation of functional data so it was converted to no classification on 2025-07-30.

NM_000219.6(KCNE1):c.40A>T (p.Thr14Ser)

Gene: KCNE1 (potassium voltage-gated channel subfamily E regulatory subunit 1; minus strand). Cytogenetic location: 21q22.12.
Variant type: single nucleotide variant.
Coding change: c.40A>T on transcript NM_000219.6 (MANE Select); coding-DNA position 40, A replaced by T.
Protein change: p.Thr14Ser; replaces threonine 14 with serine.
Molecular consequence: missense variant.
Genome position (GRCh38, 1-based): chr21:34,449,595, T>A on the plus strand (A>T on the coding strand, the complement: KCNE1 is on the minus strand). VCF-style: chr21-34449595-T-A. GRCh37 (hg19) VCF-style: chr21-35821893-T-A.
Other names: c.40A>T, p.Thr14Ser (NM_001127668.4, NM_001127669.4, NM_001127670.4 and 4 more transcripts); short protein forms T14S.
Identifiers: ClinVar variation 3373885 (VCV003373885.2).
Genomic context (GRCh38, chr21:34,449,595, plus strand): 5'-ACCTGCGGGCCAGGCCCGACATGTTGCCACCCTGCTGAACTGTCTCCTGCCACAGCTTGG[T>A]CAGAAAGGGCGTCACCGCTGTGGTGTTAGACAGGATCATCCTGGGCATTAAGGTTCCACT-3'
Protein context (NP_000210.2, residues 4-24): SNTTAVTPFL[Thr14Ser]KLWQETVQQG